The following is an entry in ClinVar:

NM_182760.4(SUMF1):c.926A>C (p.His309Pro)

Gene: SUMF1 (sulfatase modifying factor 1; minus strand). Cytogenetic location: 3p26.1.
Variant type: single nucleotide variant.
Coding change: c.926A>C on transcript NM_182760.4 (MANE Select); coding-DNA position 926, A replaced by C.
Protein change: p.His309Pro; replaces histidine 309 with proline.
Molecular consequence: missense variant.
Genome position (GRCh38, 1-based): chr3:4,410,893, T>G on the plus strand (A>C on the coding strand, the complement: SUMF1 is on the minus strand). VCF-style: chr3-4410893-T-G. GRCh37 (hg19) VCF-style: chr3-4452577-T-G.
Other names: c.851A>C, p.His284Pro (NM_001164674.2); c.926A>C, p.His309Pro (NM_001164675.2); short protein forms H284P, H309P.
Identifiers: ClinVar variation 1390665 (VCV001390665.3), dbSNP rs1165338621, ClinGen allele CA351631200.

ClinVar aggregate classification (germline): Uncertain significance (1 of 4 stars; one submission).

Conditions:
Multiple sulfatase deficiency (MSD). Also called: Mucosulfatidosis; Multiple Sulfatase Deficiency Disease; Sulfatidosis, Juvenile, Austin Type. Identifiers: Orphanet 585, MedGen C0268263, MONDO:0010088, OMIM 272200.

Allele frequency attached by ClinVar (database versions not stated): gnomAD exomes below 0.00001.
gnomAD v4.1: 1 of 1,614,124 alleles (0.000062%); highest among the groups gnomAD compares: Non-Finnish European, 0.000085%; no homozygotes.

Submission:

Labcorp Genetics (formerly Invitae), Labcorp
Classification: Uncertain significance for Multiple sulfatase deficiency. Last evaluated: 2022-03-18. Review status: criteria provided, single submitter. Criteria: Invitae Variant Classification Sherloc (09022015). Collection method: clinical testing. Allele origin: germline.
Comment: This sequence change replaces histidine, which is basic and polar, with proline, which is neutral and non-polar, at codon 309 of the SUMF1 protein (p.His309Pro). This variant is not present in population databases (gnomAD no frequency). This variant has not been reported in the literature in individuals affected with SUMF1-related conditions. Algorithms developed to predict the effect of missense changes on protein structure and function are either unavailable or do not agree on the potential impact of this missense change (SIFT: "Deleterious"; PolyPhen-2: "Benign"; Align-GVGD: "Class C0"). In summary, the available evidence is currently insufficient to determine the role of this variant in disease. Therefore, it has been classified as a Variant of Uncertain Significance.